The following is an entry in ClinVar:

NM_153252.5(BRWD3):c.3083C>T (p.Pro1028Leu)

Gene: BRWD3 (bromodomain and WD repeat domain containing 3; minus strand). Cytogenetic location: Xq21.1.
Variant type: single nucleotide variant.
Coding change: c.3083C>T on transcript NM_153252.5 (MANE Select); coding-DNA position 3083, C replaced by T.
Protein change: p.Pro1028Leu; replaces proline 1028 with leucine.
Molecular consequence: missense variant.
Genome position (GRCh38, 1-based): chrX:80,695,976, G>A on the plus strand (C>T on the coding strand, the complement: BRWD3 is on the minus strand). VCF-style: chrX-80695976-G-A. GRCh37 (hg19) VCF-style: chrX-79951475-G-A.
Other names: short protein forms P1028L.
Identifiers: ClinVar variation 1313707 (VCV001313707.2), dbSNP rs762827136, ClinGen allele CA10461903.
Genomic context (GRCh38, chrX:80,695,976, plus strand): 5'-CAGTTCCTTTCTTTGGCTTCATTATAAAACTGATGTAGCACAAGGAAGTCAATGACATCC[G>A]GCATGTCATGATACCTATACAGAAAATAAAGCACATATGAATCAATATAGAGATATAACA-3'
Protein context (NP_694984.5, residues 1018-1038): ESFSIKYHDM[Pro1028Leu]DVIDFLVLHQ

ClinVar aggregate classification (germline): Uncertain significance (1 of 4 stars; one submission).

Allele frequency attached by ClinVar (database versions not stated): gnomAD exomes below 0.00001.

Submission:

GeneDx
Classification: Uncertain significance. Last evaluated: 2020-02-14. Review status: criteria provided, single submitter. Criteria: GeneDx Variant Classification Process June 2021. Collection method: clinical testing. Allele origin: germline. Affected: yes.
Comment: Not observed in large population cohorts (Lek et al., 2016); In silico analysis supports that this missense variant has a deleterious effect on protein structure/function; Has not been previously published as pathogenic or benign to our knowledge